The following is an entry in ClinVar:

NM_007078.3(LDB3):c.1010C>T (p.Ala337Val)

Gene: LDB3 (LIM domain binding 3; plus strand). Cytogenetic location: 10q23.2.
Variant type: single nucleotide variant.
Coding change: c.1010C>T on transcript NM_007078.3 (MANE Select); coding-DNA position 1010, C replaced by T.
Protein change: p.Ala337Val; replaces alanine 337 with valine.
Molecular consequence: missense variant. On other transcripts: intron variant (4).
Genome position (GRCh38, 1-based): chr10:86,706,644, C>T. VCF-style: chr10-86706644-C-T. GRCh37 (hg19) VCF-style: chr10-88466401-C-T.
Other names: c.869C>T, p.Ala290Val (NM_001368066.1); c.897-3261C>T (NM_001368064.1, NM_001368065.1); c.1101-3261C>T (NM_001171610.2); c.756-3261C>T (NM_001080114.2); short protein forms A337V, A290V.
Identifiers: ClinVar variation 4714489 (VCV004714489.1).

ClinVar aggregate classification (germline): Uncertain significance (1 of 4 stars; one submission).

Conditions:
Myofibrillar myopathy 4. Also called: Zaspopathy (type). Identifiers: Orphanet 98912, MedGen C4721886, MONDO:0012277, OMIM 609452.

Submission:

Labcorp Genetics (formerly Invitae), Labcorp
Classification: Uncertain significance for Myofibrillar myopathy 4. Last evaluated: 2025-03-05. Review status: criteria provided, single submitter. Criteria: Invitae Variant Classification Sherloc (09022015). Collection method: clinical testing. Allele origin: germline.
Comment: The LDB3 gene has multiple clinically relevant transcripts. This variant occurs in alternate transcript NM_007078.3, and corresponds to NM_001080116.1:c.*7270C>T in the primary transcript. This sequence change replaces alanine, which is neutral and non-polar, with valine, which is neutral and non-polar, at codon 337 of the LDB3 protein (p.Ala337Val). This variant is not present in population databases (gnomAD no frequency). This variant has not been reported in the literature in individuals affected with LDB3-related conditions. Experimental studies and prediction algorithms are not available or were not evaluated, and the functional significance of this variant is currently unknown. In summary, the available evidence is currently insufficient to determine the role of this variant in disease. Therefore, it has been classified as a Variant of Uncertain Significance.